The following is an entry in ClinVar:

NM_015046.7(SETX):c.2648A>G (p.Asn883Ser)

Gene: SETX (senataxin; minus strand). Cytogenetic location: 9q34.13.
Variant type: single nucleotide variant.
Coding change: c.2648A>G on transcript NM_015046.7 (MANE Select); coding-DNA position 2648, A replaced by G.
Protein change: p.Asn883Ser; replaces asparagine 883 with serine.
Molecular consequence: missense variant.
Genome position (GRCh38, 1-based): chr9:132,328,950, T>C on the plus strand (A>G on the coding strand, the complement: SETX is on the minus strand). VCF-style: chr9-132328950-T-C. GRCh37 (hg19) VCF-style: chr9-135204337-T-C.
Other names: c.2648A>G, p.Asn883Ser (NM_001351527.2, NM_001351528.2); short protein forms N883S.
Identifiers: ClinVar variation 2592036 (VCV002592036.8), dbSNP rs780759070, ClinGen allele CA5297557.

ClinVar aggregate classification (germline): Conflicting classifications of pathogenicity. Review status: criteria provided, conflicting classifications (1 of 4 stars). 4 submissions from 4 submitters: Uncertain significance (1); Benign (1); Likely benign (1). 1 of the submissions does not count toward it. Last evaluated 2026-06-18.

Conditions:
Amyotrophic lateral sclerosis type 4 (ALS4). Also called: AMYOTROPHIC LATERAL SCLEROSIS 4, JUVENILE; NEURONOPATHY, DISTAL HEREDITARY MOTOR, WITH PYRAMIDAL FEATURES. Identifiers: Orphanet 357043, MedGen C1865409, MONDO:0011223, OMIM 602433.
Spinocerebellar ataxia, autosomal recessive, with axonal neuropathy 2 (SCAN2). Also called: ATAXIA-OCULOMOTOR APRAXIA 2; Ataxia with Oculomotor Apraxia Type 2; Ataxia-ocular apraxia-2; Ataxia with Oculomotor Apraxia. Identifiers: Orphanet 64753, MedGen C1853761, MONDO:0018996, OMIM 606002.
SETX-related disorder. Also called: SETX-related condition; SETX-related disorders. Identifiers: MedGen CN239403.
Inborn genetic diseases. Identifiers: MedGen C0950123, MeSH D030342.

Allele frequency attached by ClinVar (database versions not stated): ExAC 0.00001; gnomAD 0.00005; TOPMed 0.00005.
gnomAD v4.1: 30 of 1,610,954 alleles (0.0019%); highest among the groups gnomAD compares: African/African-American, 0.012%; no homozygotes.

Submissions (4):

Women's Health and Genetics/Laboratory Corporation of America, LabCorp
Classification: Uncertain significance. Last evaluated: 2026-06-18. Review status: criteria provided, single submitter. Criteria: LabCorp Variant Classification Summary - May 2015. Collection method: clinical testing. Allele origin: germline.
Comment: Variant summary: SETX c.2648A>G (p.Asn883Ser) results in a conservative amino acid change in the encoded protein sequence. Algorithms developed to predict the effect of missense changes on protein structure and function all suggest that this variant is likely to be tolerated. The variant was absent in 246686 control chromosomes. The available data on variant occurrences in the general population are insufficient to allow any conclusion about variant significance. To our knowledge, no occurrence of c.2648A>G in individuals affected with SETX-related conditions and no experimental evidence demonstrating its impact on protein function have been reported. ClinVar contains an entry for this variant (Variation ID: 2592036). Based on the evidence outlined above, the variant was classified as uncertain significance.

Labcorp Genetics (formerly Invitae), Labcorp
Classification: Benign for Amyotrophic lateral sclerosis type 4; Spinocerebellar ataxia, autosomal recessive, with axonal neuropathy 2. Last evaluated: 2025-11-28. Review status: criteria provided, single submitter. Criteria: Invitae Variant Classification Sherloc (09022015). Collection method: clinical testing. Allele origin: germline.

Ambry Genetics
Classification: Likely benign for Inborn genetic diseases. Last evaluated: 2023-06-29. Review status: criteria provided, single submitter. Criteria: Ambry Variant Classification Scheme 2023. Collection method: clinical testing. Allele origin: germline.

PreventionGenetics, part of Exact Sciences
Classification: Uncertain significance for SETX-related condition. Last evaluated: 2024-08-11. Review status: no assertion criteria provided. Collection method: clinical testing. Allele origin: germline. Not counted in ClinVar's aggregate classification.
Comment: The SETX c.2648A>G variant is predicted to result in the amino acid substitution p.Asn883Ser. To our knowledge, this variant has not been reported in the literature. This variant is reported in 0.023% of alleles in individuals of African descent in gnomAD. At this time, the clinical significance of this variant is uncertain due to the absence of conclusive functional and genetic evidence.